The following is an entry in ClinVar:

NM_002291.3(LAMB1):c.4188+303C>T

Gene: LAMB1 (laminin subunit beta 1; minus strand). Cytogenetic location: 7q31.1.
Variant type: single nucleotide variant.
Coding change: c.4188+303C>T on transcript NM_002291.3 (MANE Select); 303 bases into the intron after coding-DNA position 4188, C replaced by T.
Molecular consequence: intron variant.
Genome position (GRCh38, 1-based): chr7:107,935,112, G>A on the plus strand (C>T on the coding strand, the complement: LAMB1 is on the minus strand). VCF-style: chr7-107935112-G-A. GRCh37 (hg19) VCF-style: chr7-107575557-G-A.
Identifiers: ClinVar variation 681244 (VCV000681244.1), dbSNP rs10953554, ClinGen allele CA15487123.

ClinVar aggregate classification (germline): Benign (1 of 4 stars; one submission).

Allele frequency attached by ClinVar (database versions not stated): 1000 Genomes Project 30x 0.26452; 1000 Genomes Project 0.26937; TOPMed 0.30226; gnomAD 0.31263 and 0.31297.
gnomAD v4.1: 47,599 of 151,498 alleles (31%); highest among the groups gnomAD compares: Non-Finnish European, 41%; 8,751 homozygotes.

Submission:

GeneDx
Classification: Benign. Last evaluated: 2018-06-14. Review status: criteria provided, single submitter. Criteria: GeneDx Variant Classification (06012015). Collection method: clinical testing. Allele origin: germline. Affected: yes.
Comment: This variant is considered likely benign or benign based on one or more of the following criteria: it is a conservative change, it occurs at a poorly conserved position in the protein, it is predicted to be benign by multiple in silico algorithms, and/or has population frequency not consistent with disease.